The following is an entry in ClinVar:

ClinVar aggregate classification (germline): Pathogenic/Likely pathogenic. Review status: criteria provided, multiple submitters, no conflicts (2 of 4 stars). 4 submissions from 4 submitters: Pathogenic (1); Likely pathogenic (3). Last evaluated 2026-07-31.

Conditions:
GRK1-related disorder. Also called: GRK1-related condition.
Oguchi disease-2. Also called: NIGHT BLINDNESS, CONGENITAL STATIONARY, OGUCHI TYPE 2. Identifiers: Orphanet 75382, MedGen C3150678, MONDO:0013259, OMIM 613411.

gnomAD v4.1: 21 of 1,536,744 alleles (0.0014%); highest among the groups gnomAD compares: South Asian, 0.02%; no homozygotes.

Submissions (4):

GeneDx
Classification: Pathogenic. Last evaluated: 2026-07-31. Review status: criteria provided, single submitter. Criteria: GeneDx Variant Classification Process June 2021. Collection method: clinical testing. Allele origin: germline.
Comment: Reported in a patient with rod-cone dystrophy in published literature (PMID: 37541188); Canonical splice site variant predicted to result in a null allele in a gene for which loss of function is a known mechanism of disease; This variant is associated with the following publications: (PMID: 31964843, 37541188)

PreventionGenetics, part of Exact Sciences
Classification: Likely pathogenic for GRK1-related condition. Last evaluated: 2025-06-23. Review status: criteria provided, single submitter. Criteria: ACMG Guidelines, 2015. Collection method: clinical testing. Allele origin: germline.
Comment: The GRK1 c.1194+1G>A variant is predicted to disrupt the GT donor site and interfere with normal splicing. This variant was reported as likely pathogenic in a large study of inherited autosomal recessive retinal diseases (Table S3, Hanany et al. 2020. PubMed ID: 31964843). This variant is reported in 0.018% of alleles in individuals of South Asian descent in gnomAD. Variants that disrupt the consensus splice donor site in GRK1 are expected to be pathogenic. This variant is interpreted as likely pathogenic.

First Genomix Gene Laboratory, Genetic Diagnostics Department
Classification: Likely pathogenic for Oguchi disease-2. Last evaluated: 2025-05-01. Review status: criteria provided, single submitter. Criteria: ACMG Guidelines, 2015. Collection method: clinical testing. Allele origin: germline. Inheritance: Autosomal recessive inheritance. Affected: no. Observed: 1 variant allele.

Blueprint Genetics
Classification: Likely pathogenic for GRK1-related disorders. Last evaluated: 2021-06-24. Review status: criteria provided, single submitter. Criteria: ACMG Guidelines, 2015. Collection method: clinical testing. Allele origin: germline. Affected: yes. Observed: 2 variant alleles.

NM_002929.3(GRK1):c.1194+1G>A

Gene: GRK1 (G protein-coupled receptor kinase 1; plus strand). Cytogenetic location: 13q34.
Variant type: single nucleotide variant.
Coding change: c.1194+1G>A on transcript NM_002929.3 (MANE Select); the canonical splice donor site of the intron after coding-DNA position 1194, G replaced by A.
Molecular consequence: splice donor variant.
Genome position (GRCh38, 1-based): chr13:113,731,344, G>A. VCF-style: chr13-113731344-G-A. GRCh37 (hg19) VCF-style: chr13-114434317-G-A.
Other names: c.1194+1G>A (NM_002929.2).
Identifiers: ClinVar variation 3342851 (VCV003342851.4).